The following is an entry in ClinVar:

ClinVar aggregate classification (germline): Pathogenic (1 of 4 stars; one submission).

Submission:

Labcorp Genetics (formerly Invitae), Labcorp
Classification: Pathogenic. Last evaluated: 2025-09-08. Review status: criteria provided, single submitter. Criteria: Invitae Variant Classification Sherloc (09022015). Collection method: clinical testing. Allele origin: germline.
Comment: This sequence change creates a premature translational stop signal (p.Glu107*) in the REST gene. It is expected to result in an absent or disrupted protein product. Loss-of-function variants in REST are known to be pathogenic (PMID: 26551668). This variant is not present in population databases (gnomAD no frequency). This variant has not been reported in the literature in individuals affected with REST-related conditions. For these reasons, this variant has been classified as Pathogenic.

Literature cited by the submitters: PubMed 26551668.

NM_005612.5(REST):c.319G>T (p.Glu107Ter)

Gene: REST (RE1 silencing transcription factor; plus strand). Cytogenetic location: 4q12.
Variant type: single nucleotide variant.
Coding change: c.319G>T on transcript NM_005612.5 (MANE Select); coding-DNA position 319, G replaced by T.
Protein change: p.Glu107Ter; replaces glutamic acid 107 with a stop codon.
Molecular consequence: nonsense.
Genome position (GRCh38, 1-based): chr4:56,910,957, G>T. VCF-style: chr4-56910957-G-T. GRCh37 (hg19) VCF-style: chr4-57777123-G-T.
Other names: c.319G>T, p.Glu107Ter (NM_001193508.2, NM_001363453.3, NM_001440532.1 and 1 more transcripts); short protein forms E107*.
Identifiers: ClinVar variation 4726804 (VCV004726804.1).